The following is an entry in ClinVar:

ClinVar aggregate classification (germline): Likely benign (0 of 4 stars; one submission).

Conditions:
PTPRU-related disorder. Also called: PTPRU-related condition.

Allele frequency attached by ClinVar (database versions not stated): gnomAD exomes 0.00003; ExAC 0.00009; 1000 Genomes Project 30x 0.00016; TOPMed 0.00017; 1000 Genomes Project 0.00020; gnomAD 0.00022; ESP Exome Variant Server 0.00031.
gnomAD v4.1: 86 of 1,614,238 alleles (0.0053%); highest among the groups gnomAD compares: African/African-American, 0.061%; no homozygotes.

Submission:

PreventionGenetics, part of Exact Sciences
Classification: Likely benign for PTPRU-related condition. Last evaluated: 2019-08-15. Review status: no assertion criteria provided. Collection method: clinical testing. Allele origin: germline.
Comment: This variant is classified as likely benign based on ACMG/AMP sequence variant interpretation guidelines (Richards et al. 2015 PMID: 25741868, with internal and published modifications).

NM_133178.4(PTPRU):c.330C>T (p.Asp110=)

Gene: PTPRU (protein tyrosine phosphatase receptor type U; plus strand). Cytogenetic location: 1p35.3.
Variant type: single nucleotide variant.
Coding change: c.330C>T on transcript NM_133178.4 (MANE Select); coding-DNA position 330, C replaced by T.
Protein change: p.Asp110=; no amino-acid change (aspartic acid 110 retained).
Molecular consequence: synonymous variant.
Genome position (GRCh38, 1-based): chr1:29,258,629, C>T. VCF-style: chr1-29258629-C-T. GRCh37 (hg19) VCF-style: chr1-29585141-C-T.
Other names: c.330C>T, p.Asp110= (NM_001195001.2, NM_005704.5, NM_133177.4).
Identifiers: ClinVar variation 3052506 (VCV003052506.2), dbSNP rs144272817, ClinGen allele CA726043.